The following is an entry in ClinVar:

ClinVar aggregate classification (germline): Conflicting classifications of pathogenicity. Review status: criteria provided, conflicting classifications (1 of 4 stars). 5 submissions from 5 submitters: Uncertain significance (3); Likely benign (1). 1 of the submissions does not count toward it. Last evaluated 2025-09-06.

Conditions:
Inborn genetic diseases. Identifiers: MedGen C0950123, MeSH D030342.
Spondylometaphyseal dysplasia - Sutcliffe type. Also called: Spondylometaphyseal dysplasia, 'corner fracture' type; Spondylometaphyseal Dysplasia, Corner Fracture Type; Sutcliffe type of spondylometaphyseal dysplasia; Sutcliffe SMD. Identifiers: Orphanet 93315, MedGen C0432221, MONDO:0008479, OMIM 184255.
Glomerulopathy with fibronectin deposits 2 (GFND2). Identifiers: Orphanet 84090, MedGen C1866075, MONDO:0011165, OMIM 601894.
FN1-related disorder. Also called: FN1-related condition.

Allele frequency attached by ClinVar (database versions not stated): gnomAD 0.00004; TOPMed 0.00005; gnomAD exomes 0.00006 and 0.00007; ESP Exome Variant Server 0.00008; ExAC 0.00010.

Submissions (5):

Labcorp Genetics (formerly Invitae), Labcorp
Classification: Uncertain significance. Last evaluated: 2025-09-06. Review status: criteria provided, single submitter. Criteria: Invitae Variant Classification Sherloc (09022015). Collection method: clinical testing. Allele origin: germline.
Comment: This sequence change replaces threonine, which is neutral and polar, with isoleucine, which is neutral and non-polar, at codon 906 of the FN1 protein (p.Thr906Ile). This variant is present in population databases (rs370342980, gnomAD 0.01%), and has an allele count higher than expected for a pathogenic variant. This variant has not been reported in the literature in individuals affected with FN1-related conditions. ClinVar contains an entry for this variant (Variation ID: 1498737). An algorithm developed to predict the effect of missense changes on protein structure and function (PolyPhen-2) suggests that this variant is likely to be tolerated. In summary, the available evidence is currently insufficient to determine the role of this variant in disease. Therefore, it has been classified as a Variant of Uncertain Significance.

Fulgent Genetics
Classification: Likely benign for Spondylometaphyseal dysplasia - Sutcliffe type; Glomerulopathy with fibronectin deposits 2. Last evaluated: 2024-04-05. Review status: criteria provided, single submitter. Criteria: ACMG Guidelines, 2015. Collection method: clinical testing. Allele origin: germline.

Department of Pathology and Laboratory Medicine, Sinai Health System
Classification: Uncertain significance for Spondylometaphyseal dysplasia - Sutcliffe type; Glomerulopathy with fibronectin deposits 2. Last evaluated: 2023-10-13. Review status: criteria provided, single submitter. Criteria: ACMG Guidelines, 2015. Collection method: research. Allele origin: germline.

Ambry Genetics
Classification: Uncertain significance for Inborn genetic diseases. Last evaluated: 2022-05-27. Review status: criteria provided, single submitter. Criteria: Ambry Variant Classification Scheme 2023. Collection method: clinical testing. Allele origin: germline.

PreventionGenetics, part of Exact Sciences
Classification: Uncertain significance for FN1-related condition. Last evaluated: 2024-04-12. Review status: no assertion criteria provided. Collection method: clinical testing. Allele origin: germline. Not counted in ClinVar's aggregate classification.
Comment: The FN1 c.2717C>T variant is predicted to result in the amino acid substitution p.Thr906Ile. To our knowledge, this variant has not been reported in the literature. This variant is reported in 0.013% of alleles in individuals of European (Non-Finnish) descent in gnomAD. Although we suspect that this variant may be benign, at this time, the clinical significance of this variant is uncertain due to the absence of conclusive functional and genetic evidence.

NM_212482.4(FN1):c.2717C>T (p.Thr906Ile)

Gene: FN1 (fibronectin 1; minus strand). Cytogenetic location: 2q35.
Variant type: single nucleotide variant.
Coding change: c.2717C>T on transcript NM_212482.4 (MANE Select); coding-DNA position 2717, C replaced by T.
Protein change: p.Thr906Ile; replaces threonine 906 with isoleucine.
Molecular consequence: missense variant.
Genome position (GRCh38, 1-based): chr2:215,406,507, G>A on the plus strand (C>T on the coding strand, the complement: FN1 is on the minus strand). VCF-style: chr2-215406507-G-A. GRCh37 (hg19) VCF-style: chr2-216271230-G-A.
Other names: c.2717C>T (NM_212482.1, NM_212482.2); c.2717C>T, p.Thr906Ile (NM_001365520.2, NM_001365521.2, NM_001365522.2 and 13 more transcripts); short protein forms T906I.
Identifiers: ClinVar variation 1498737 (VCV001498737.13), dbSNP rs370342980, ClinGen allele CA2094888.
Genomic context (GRCh38, chr2:215,406,507, plus strand): 5'-ATGATGGTGACCTTCACGTCTGTCACTTCCACAAACTGCAGGTCCCTGGGAGAGGGCACT[G>A]TATCTGACAGACAAGAGTCAACTGGTCATTCACATTCTCTGCTGAAGATTACTTTTAAGA-3'
Protein context (NP_997647.2, residues 896-916): QETTGTPRSD[Thr906Ile]VPSPRDLQFV